The following is an entry in ClinVar:

ClinVar aggregate classification (germline): Uncertain significance (1 of 4 stars; one submission).

Conditions:
Coffin-Siris syndrome 10. Also called: INTELLECTUAL DEVELOPMENTAL DISORDER WITH SPEECH DELAY AND DYSMORPHIC FACIES. Identifiers: MedGen C4760583, MONDO:0032791, OMIM 618506.

Submission:

Laboratorio de Genetica e Diagnostico Molecular, Hospital Israelita Albert Einstein
Classification: Uncertain significance for Coffin-Siris syndrome 10. Last evaluated: 2024-08-15. Review status: criteria provided, single submitter. Criteria: ACMG Guidelines, 2015. Collection method: clinical testing. Allele origin: germline. Affected: yes.
Comment: ACMG classification criteria: PM2 supporting, PP3 supporting

NM_003107.3(SOX4):c.299T>C (p.Leu100Pro)

Gene: SOX4 (SRY-box transcription factor 4; plus strand). Cytogenetic location: 6p22.3.
Variant type: single nucleotide variant.
Coding change: c.299T>C on transcript NM_003107.3 (MANE Select); coding-DNA position 299, T replaced by C.
Protein change: p.Leu100Pro; replaces leucine 100 with proline.
Molecular consequence: missense variant.
Genome position (GRCh38, 1-based): chr6:21,594,833, T>C. VCF-style: chr6-21594833-T-C. GRCh37 (hg19) VCF-style: chr6-21595064-T-C.
Other names: short protein forms L100P.
Identifiers: ClinVar variation 4076196 (VCV004076196.1).